The following is an entry in ClinVar:

NM_031206.7(LAS1L):c.342C>G (p.Leu114=)

Gene: LAS1L (LAS1 like ribosome biogenesis factor; minus strand). Cytogenetic location: Xq12.
Variant type: single nucleotide variant.
Coding change: c.342C>G on transcript NM_031206.7 (MANE Select); coding-DNA position 342, C replaced by G.
Protein change: p.Leu114=; no amino-acid change (leucine 114 retained).
Molecular consequence: synonymous variant. On other transcripts: 5 prime UTR variant (1), non-coding transcript variant (1), intron variant (1).
Genome position (GRCh38, 1-based): chrX:65,533,630, G>C on the plus strand (C>G on the coding strand, the complement: LAS1L is on the minus strand). VCF-style: chrX-65533630-G-C. GRCh37 (hg19) VCF-style: chrX-64753510-G-C.
Other names: c.342C>G, p.Leu114= (NM_001170649.2, NM_001375328.1, NM_001375329.1 and 7 more transcripts); c.-455C>G (NM_001375332.1); c.236+850C>G (NM_001170650.2).
Identifiers: ClinVar variation 1284830 (VCV001284830.27), dbSNP rs2148326897, ClinGen allele CA516834130.

ClinVar aggregate classification (germline): Likely benign. Review status: criteria provided, single submitter (1 of 4 stars). 3 submissions from 3 submitters: Likely benign (1). 2 of the submissions do not count toward it. Last evaluated 2022-03-01.

Submissions (3):

CeGaT Center for Human Genetics Tuebingen
Classification: Likely benign. Last evaluated: 2022-03-01. Review status: criteria provided, single submitter. Criteria: CeGaT Center For Human Genetics Tuebingen Variant Classification Criteria Version 2. Collection method: clinical testing. Allele origin: germline. Affected: yes. Observed: 1 variant allele.
Comment: LAS1L: BP4, BP7

Clinical Genetics DNA and cytogenetics Diagnostics Lab, Erasmus MC, Erasmus Medical Center
Classification: Likely benign. Review status: no assertion criteria provided. Collection method: clinical testing. Allele origin: germline. Affected: yes. Study: VKGL Data-share Consensus. Not counted in ClinVar's aggregate classification.

Clinical Genetics, Academic Medical Center
Classification: Likely benign. Review status: no assertion criteria provided. Collection method: clinical testing. Allele origin: germline. Affected: yes. Study: VKGL Data-share Consensus. Not counted in ClinVar's aggregate classification.